The following is an entry in ClinVar:

NM_002691.4(POLD1):c.1951G>C (p.Val651Leu)

Gene: POLD1 (DNA polymerase delta 1, catalytic subunit; plus strand). Cytogenetic location: 19q13.33.
Variant type: single nucleotide variant.
Coding change: c.1951G>C on transcript NM_002691.4 (MANE Select); coding-DNA position 1951, G replaced by C.
Protein change: p.Val651Leu; replaces valine 651 with leucine.
Molecular consequence: missense variant. On other transcripts: non-coding transcript variant (1).
Genome position (GRCh38, 1-based): chr19:50,409,180, G>C. VCF-style: chr19-50409180-G-C. GRCh37 (hg19) VCF-style: chr19-50912437-G-C.
Other names: c.1951G>C, p.Val651Leu (NM_001256849.1); c.2029G>C, p.Val677Leu (NM_001308632.1); c.1951G>C (NM_002691.2); short protein forms V651L, V677L.
Identifiers: ClinVar variation 1413987 (VCV001413987.9), dbSNP rs1431495856, ClinGen allele CA406982308.

ClinVar aggregate classification (germline): Uncertain significance. Review status: criteria provided, multiple submitters, no conflicts (2 of 4 stars). 2 submissions from 2 submitters: Uncertain significance (2). Last evaluated 2025-11-03.

Conditions:
Hereditary cancer-predisposing syndrome. Also called: Tumor predisposition; Hereditary Cancer Syndrome; Hereditary neoplastic syndrome; Neoplastic Syndromes, Hereditary. Identifiers: Orphanet 140162, MedGen C0027672, MeSH D009386, MONDO:0015356.
POLD1-related polyposis and colorectal cancer syndrome (CRCS10). Also called: Colorectal cancer, susceptibility to, 10; Colorectal cancer 10; COLORECTAL CANCER, SUSCEPTIBILITY TO, ON CHROMOSOME 19q. Identifiers: Orphanet 220460, MedGen C2675481, MONDO:0012953, OMIM 612591.

Submissions (2):

Labcorp Genetics (formerly Invitae), Labcorp
Classification: Uncertain significance for POLD1-related polyposis and colorectal cancer syndrome. Last evaluated: 2025-11-03. Review status: criteria provided, single submitter. Criteria: Invitae Variant Classification Sherloc (09022015). Collection method: clinical testing. Allele origin: germline.
Comment: This sequence change replaces valine, which is neutral and non-polar, with leucine, which is neutral and non-polar, at codon 651 of the POLD1 protein (p.Val651Leu). This variant is not present in population databases (gnomAD no frequency). This variant has not been reported in the literature in individuals affected with POLD1-related conditions. ClinVar contains an entry for this variant (Variation ID: 1413987). Invitae Evidence Modeling of protein sequence and biophysical properties (such as structural, functional, and spatial information, amino acid conservation, physicochemical variation, residue mobility, and thermodynamic stability) indicates that this missense variant is not expected to disrupt POLD1 protein function with a negative predictive value of 80%. In summary, the available evidence is currently insufficient to determine the role of this variant in disease. Therefore, it has been classified as a Variant of Uncertain Significance.

Ambry Genetics
Classification: Uncertain significance for Hereditary cancer-predisposing syndrome. Last evaluated: 2025-03-07. Review status: criteria provided, single submitter. Criteria: Ambry Variant Classification Scheme 2023. Collection method: clinical testing. Allele origin: germline.
Comment: The p.V651L variant (also known as c.1951G>C), located in coding exon 15 of the POLD1 gene, results from a G to C substitution at nucleotide position 1951. The valine at codon 651 is replaced by leucine, an amino acid with highly similar properties. This amino acid position is conserved. In addition, this alteration is predicted to be tolerated by in silico analysis. Based on the available evidence, the clinical significance of this variant remains unclear.